The following is an entry in ClinVar:

NM_025243.4(SLC19A3):c.150+2T>C

Gene: SLC19A3 (solute carrier family 19 member 3; minus strand). Cytogenetic location: 2q36.3.
Variant type: single nucleotide variant.
Coding change: c.150+2T>C on transcript NM_025243.4 (MANE Select); the canonical splice donor site of the intron after coding-DNA position 150, T replaced by C.
Molecular consequence: splice donor variant.
Genome position (GRCh38, 1-based): chr2:227,702,167, A>G on the plus strand (T>C on the coding strand, the complement: SLC19A3 is on the minus strand). VCF-style: chr2-227702167-A-G. GRCh37 (hg19) VCF-style: chr2-228566883-A-G.
Other names: c.-59+2T>C (NM_001371413.1, NM_001371414.1); c.150+2T>C (NM_001371411.1, NM_001371412.1).
Identifiers: ClinVar variation 945140 (VCV000945140.3), dbSNP rs780157041, ClinGen allele CA2149397.

ClinVar aggregate classification (germline): Likely pathogenic (1 of 4 stars; one submission).

Conditions:
Biotin-responsive basal ganglia disease (BTBGD). Also called: THIAMINE METABOLISM DYSFUNCTION SYNDROME 2 (BIOTIN- AND THIAMINE-RESPONSIVE TYPE); Thiamine metabolism dysfunction syndrome 2 (biotin- or thiamine-responsive encephalopathy type 2); Thiamine Transporter-2 Deficiency; thiamine-responsive encephalopathy; Thiamine metabolism dysfunction syndrome type 2. Identifiers: Orphanet 199348, Orphanet 65284, MedGen C1843807, MONDO:0011841, OMIM 607483.

Allele frequency attached by ClinVar (database versions not stated): gnomAD exomes below 0.00001; ExAC 0.00001.

Submission:

Labcorp Genetics (formerly Invitae), Labcorp
Classification: Likely pathogenic for Biotin-responsive basal ganglia disease. Last evaluated: 2019-07-12. Review status: criteria provided, single submitter. Criteria: Invitae Variant Classification Sherloc (09022015). Collection method: clinical testing. Allele origin: germline.
Comment: This sequence change affects a donor splice site in intron 2 of the SLC19A3 gene. It is expected to disrupt RNA splicing and likely results in an absent or disrupted protein product. This variant is present in population databases (rs780157041, ExAC 0.01%). This variant has not been reported in the literature in individuals with SLC19A3-related conditions. Algorithms developed to predict the effect of sequence changes on RNA splicing suggest that this variant may disrupt the consensus splice site, but this prediction has not been confirmed by published transcriptional studies. Donor and acceptor splice site variants typically lead to a loss of protein function (PMID: 16199547), and loss-of-function variants in SLC19A3 are known to be pathogenic (PMID: 23423671, 23482991). In summary, the currently available evidence indicates that the variant is pathogenic, but additional data are needed to prove that conclusively. Therefore, this variant has been classified as Likely Pathogenic.

Literature cited by the submitters: PubMed 16199547; PubMed 23423671; PubMed 23482991.